The following is an entry in ClinVar:

NM_001370298.3(FGD4):c.2171A>G (p.Tyr724Cys)

Gene: FGD4 (FYVE, RhoGEF and PH domain containing 4; plus strand). Cytogenetic location: 12p11.21.
Variant type: single nucleotide variant.
Coding change: c.2171A>G on transcript NM_001370298.3 (MANE Select); coding-DNA position 2171, A replaced by G.
Protein change: p.Tyr724Cys; replaces tyrosine 724 with cysteine.
Molecular consequence: missense variant.
Genome position (GRCh38, 1-based): chr12:32,625,778, A>G. VCF-style: chr12-32625778-A-G. GRCh37 (hg19) VCF-style: chr12-32778712-A-G.
Other names: c.2015A>G, p.Tyr672Cys (NM_001304481.2); c.1016A>G, p.Tyr339Cys (NM_001304483.2); c.728A>G, p.Tyr243Cys (NM_001304484.2); c.1481A>G, p.Tyr494Cys (NM_001330373.2, NM_001330374.2, NM_001384130.1); c.1208A>G, p.Tyr403Cys (NM_001370297.1); c.2171A>G, p.Tyr724Cys (NM_001384126.1); c.1760A>G, p.Tyr587Cys (NM_001384127.1, NM_001384128.1, NM_001385118.1 and 1 more transcripts); short protein forms Y243C, Y724C, Y403C, Y494C, Y339C, Y587C, Y672C.
Identifiers: ClinVar variation 1484168 (VCV001484168.6), dbSNP rs759496422, ClinGen allele CA6506998.

ClinVar aggregate classification (germline): Uncertain significance (1 of 4 stars; one submission).

Conditions:
Charcot-Marie-Tooth disease type 4. Also called: Charcot-Marie-Tooth, Type 4; Charcot-Marie-Tooth disease, type IV. Identifiers: Orphanet 64749, MedGen C4082197, MONDO:0018995.

Allele frequency attached by ClinVar (database versions not stated): ExAC 0.00001; gnomAD exomes 0.00001 and 0.00002; TOPMed 0.00001.
gnomAD v4.1: 5 of 1,614,002 alleles (0.00031%); highest among the groups gnomAD compares: Admixed American, 0.0067%; no homozygotes.

Submission:

Labcorp Genetics (formerly Invitae), Labcorp
Classification: Uncertain significance for Charcot-Marie-Tooth disease type 4. Last evaluated: 2021-08-08. Review status: criteria provided, single submitter. Criteria: Invitae Variant Classification Sherloc (09022015). Collection method: clinical testing. Allele origin: germline.
Comment: In summary, the available evidence is currently insufficient to determine the role of this variant in disease. Therefore, it has been classified as a Variant of Uncertain Significance. Algorithms developed to predict the effect of missense changes on protein structure and function are either unavailable or do not agree on the potential impact of this missense change (SIFT: "Deleterious"; PolyPhen-2: "Benign"; Align-GVGD: "Class C25"). This variant has not been reported in the literature in individuals affected with FGD4-related conditions. This variant is present in population databases (rs759496422, ExAC 0.009%). This sequence change replaces tyrosine with cysteine at codon 587 of the FGD4 protein (p.Tyr587Cys). The tyrosine residue is weakly conserved and there is a large physicochemical difference between tyrosine and cysteine.